The following is an entry in ClinVar:

ClinVar aggregate classification (germline): Uncertain significance (1 of 4 stars; one submission).

Submission:

Ambry Genetics
Classification: Uncertain significance. Last evaluated: 2025-02-06. Review status: criteria provided, single submitter. Criteria: Ambry Variant Classification Scheme 2023. Collection method: clinical testing. Allele origin: germline.
Comment: The p.V386A variant (also known as c.1157T>C), located in coding exon 1 of the TET2 gene, results from a T to C substitution at nucleotide position 1157. The valine at codon 386 is replaced by alanine, an amino acid with similar properties. This amino acid position is conserved. In addition, this alteration is predicted to be tolerated by in silico analysis. Based on the available evidence, the clinical significance of this variant remains unclear.

NM_001127208.3(TET2):c.1157T>C (p.Val386Ala)

Genes: TET2 (tet methylcytosine dioxygenase 2; plus strand), TET2-AS1 (TET2 antisense RNA 1; minus strand). Cytogenetic location: 4q24.
Variant type: single nucleotide variant.
Coding change: c.1157T>C on transcript NM_001127208.3 (MANE Select); coding-DNA position 1157, T replaced by C.
Protein change: p.Val386Ala; replaces valine 386 with alanine.
Molecular consequence: missense variant.
Genome position (GRCh38, 1-based): chr4:105,235,099, T>C. VCF-style: chr4-105235099-T-C. GRCh37 (hg19) VCF-style: chr4-106156256-T-C.
Other names: c.1157T>C, p.Val386Ala (NM_017628.4); short protein forms V386A.
Identifiers: ClinVar variation 3806031 (VCV003806031.1).
Genomic context (GRCh38, chr4:105,235,099, plus strand): 5'-GCTCTGAACGGTATTTAAAACAAAATGAAATGAATGGTGCTTACTTCAAGCAAAGCTCAG[T>C]GTTCACTAAGGATTCCTTTTCTGCCACTACCACACCACCACCACCATCACAATTGCTTCT-3'
Protein context (NP_001120680.1, residues 376-396): MNGAYFKQSS[Val386Ala]FTKDSFSATT